The following is an entry in ClinVar:

NM_000685.5(AGTR1):c.-47-10764C>T

Gene: AGTR1 (angiotensin II receptor type 1; plus strand). Cytogenetic location: 3q24.
Variant type: single nucleotide variant.
Coding change: c.-47-10764C>T on transcript NM_000685.5 (MANE Select); 10764 bases into the intron before 47 bases upstream of the start codon, C replaced by T.
Molecular consequence: intron variant. On other transcripts: 5 prime UTR variant (3).
Genome position (GRCh38, 1-based): chr3:148,730,225, C>T. VCF-style: chr3-148730225-C-T. GRCh37 (hg19) VCF-style: chr3-148448012-C-T.
Other names: c.-60C>T (NM_004835.5, NM_031850.4); c.-217C>T (NM_032049.4); c.-47-10764C>T (NM_001382737.1, NM_001382736.1, NM_009585.4).
Identifiers: ClinVar variation 4700197 (VCV004700197.1).

ClinVar aggregate classification (germline): Pathogenic (1 of 4 stars; one submission).

gnomAD v4.1: 2 of 398,398 alleles (0.0005%); highest among the groups gnomAD compares: African/African-American, 0.0041%; no homozygotes.

Submission:

Labcorp Genetics (formerly Invitae), Labcorp
Classification: Pathogenic. Last evaluated: 2025-04-17. Review status: criteria provided, single submitter. Criteria: Invitae Variant Classification Sherloc (09022015). Collection method: clinical testing. Allele origin: germline.
Comment: This sequence change creates a premature translational stop signal (p.Gln16*) in the AGTR1 gene. While this is not anticipated to result in nonsense mediated decay, it is expected to disrupt the last 379 amino acid(s) of the AGTR1 protein. This variant is present in population databases (no rsID available, gnomAD 0.01%). This variant has not been reported in the literature in individuals affected with AGTR1-related conditions. Algorithms developed to predict the effect of sequence changes on RNA splicing suggest that this variant may disrupt the consensus splice site. This variant disrupts a region of the AGTR1 protein in which other variant(s) (p.Asn235Lysfs*28) have been determined to be pathogenic (PMID: 16116425, 28973083; internal data). This suggests that this is a clinically significant region of the protein, and that variants that disrupt it are likely to be disease-causing. For these reasons, this variant has been classified as Pathogenic.

Literature cited by the submitters: PubMed 16116425; PubMed 28973083.